The following is an entry in ClinVar:

NM_032043.3(BRIP1):c.2858C>T (p.Thr953Ile)

Gene: BRIP1 (BRCA1 interacting DNA helicase 1; minus strand). Cytogenetic location: 17q23.2.
Variant type: single nucleotide variant.
Coding change: c.2858C>T on transcript NM_032043.3 (MANE Select); coding-DNA position 2858, C replaced by T.
Protein change: p.Thr953Ile; replaces threonine 953 with isoleucine.
Molecular consequence: missense variant.
Genome position (GRCh38, 1-based): chr17:61,685,883, G>A on the plus strand (C>T on the coding strand, the complement: BRIP1 is on the minus strand). VCF-style: chr17-61685883-G-A. GRCh37 (hg19) VCF-style: chr17-59763244-G-A.
Other names: short protein forms T953I.
Identifiers: ClinVar variation 619663 (VCV000619663.16), dbSNP rs201672040, ClinGen allele CA8690446.

ClinVar aggregate classification (germline): Uncertain significance. Review status: criteria provided, multiple submitters, no conflicts (2 of 4 stars). 4 submissions from 4 submitters: Uncertain significance (4). Last evaluated 2026-01-27.

Conditions:
Familial cancer of breast. Also called: BREAST CANCER, FAMILIAL; Hereditary breast cancer; hereditary breast carcinoma. Identifiers: Orphanet 227535, MedGen C0346153, MONDO:0016419, OMIM 114480. Disease mechanism: loss of function.
Fanconi anemia complementation group J. Also called: BRIP1-Related Fanconi Anemia. Identifiers: Orphanet 84, MedGen C1836860, MONDO:0012187, OMIM 609054.
Hereditary cancer-predisposing syndrome. Also called: Neoplastic Syndromes, Hereditary; Hereditary Cancer Syndrome; Hereditary neoplastic syndrome; Tumor predisposition. Identifiers: Orphanet 140162, MedGen C0027672, MeSH D009386, MONDO:0015356.

Allele frequency attached by ClinVar (database versions not stated): ExAC 0.00002; gnomAD 0.00003; gnomAD exomes below 0.00001; 1000 Genomes Project 30x 0.00016; 1000 Genomes Project 0.00020.
gnomAD v4.1: 2 of 1,613,478 alleles (0.00012%); highest among the groups gnomAD compares: African/African-American, 0.0013%; no homozygotes.

Submissions (4):

Labcorp Genetics (formerly Invitae), Labcorp
Classification: Uncertain significance for Familial cancer of breast; Fanconi anemia complementation group J. Last evaluated: 2026-01-27. Review status: criteria provided, single submitter. Criteria: Invitae Variant Classification Sherloc (09022015). Collection method: clinical testing. Allele origin: germline.
Comment: This sequence change replaces threonine, which is neutral and polar, with isoleucine, which is neutral and non-polar, at codon 953 of the BRIP1 protein (p.Thr953Ile). This variant is present in population databases (rs201672040, gnomAD 0.008%). This variant has not been reported in the literature in individuals affected with BRIP1-related conditions. ClinVar contains an entry for this variant (Variation ID: 619663). Invitae Evidence Modeling of protein sequence and biophysical properties (such as structural, functional, and spatial information, amino acid conservation, physicochemical variation, residue mobility, and thermodynamic stability) indicates that this missense variant is not expected to disrupt BRIP1 protein function with a negative predictive value of 95%. In summary, the available evidence is currently insufficient to determine the role of this variant in disease. Therefore, it has been classified as a Variant of Uncertain Significance.

GeneDx
Classification: Uncertain significance. Last evaluated: 2025-09-02. Review status: criteria provided, single submitter. Criteria: GeneDx Variant Classification Process June 2021. Collection method: clinical testing. Allele origin: germline.
Comment: Not observed at significant frequency in large population cohorts (gnomAD); In silico analysis suggests that this missense variant does not alter protein structure/function; Has not been previously published as pathogenic or benign to our knowledge; This variant is associated with the following publications: (PMID: 11301010)

Ambry Genetics
Classification: Uncertain significance for Hereditary cancer-predisposing syndrome. Last evaluated: 2023-07-26. Review status: criteria provided, single submitter. Criteria: Ambry Variant Classification Scheme 2023. Collection method: clinical testing. Allele origin: germline.
Comment: The p.T953I variant (also known as c.2858C>T), located in coding exon 18 of the BRIP1 gene, results from a C to T substitution at nucleotide position 2858. The threonine at codon 953 is replaced by isoleucine, an amino acid with similar properties. This amino acid position is not well conserved in available vertebrate species. In addition, this alteration is predicted to be tolerated by in silico analysis. Since supporting evidence is limited at this time, the clinical significance of this alteration remains unclear.

Quest Diagnostics Nichols Institute San Juan Capistrano
Classification: Uncertain significance. Last evaluated: 2018-04-25. Review status: criteria provided, single submitter. Criteria: Quest Diagnostics criteria. Collection method: clinical testing. Allele origin: germline.